The following is an entry in ClinVar:

ClinVar aggregate classification (germline): Benign. Review status: criteria provided, single submitter (1 of 4 stars). 2 submissions from 2 submitters: Benign (1). 1 of the submissions does not count toward it. Last evaluated 2018-05-08.

Conditions:
XIRP2-related disorder. Also called: XIRP2-related condition.

Allele frequency attached by ClinVar (database versions not stated): gnomAD 0.00004 and 0.00005; TOPMed 0.00009; 1000 Genomes Project 0.00020; ExAC 0.00030; 1000 Genomes Project 30x 0.00031; gnomAD exomes 0.00033.
gnomAD v4.1: 102 of 1,613,960 alleles (0.0063%); highest among the groups gnomAD compares: Admixed American, 0.16%; 2 homozygotes.

Submissions (2):

Labcorp Genetics (formerly Invitae), Labcorp
Classification: Benign. Last evaluated: 2018-05-08. Review status: criteria provided, single submitter. Criteria: Invitae Variant Classification Sherloc (09022015). Collection method: clinical testing. Allele origin: germline.

PreventionGenetics, part of Exact Sciences
Classification: Likely benign for XIRP2-related condition. Last evaluated: 2022-08-02. Review status: no assertion criteria provided. Collection method: clinical testing. Allele origin: germline. Not counted in ClinVar's aggregate classification.
Comment: This variant is classified as likely benign based on ACMG/AMP sequence variant interpretation guidelines (Richards et al. 2015 PMID: 25741868, with internal and published modifications).

NM_152381.6(XIRP2):c.2587C>T (p.Gln863Ter)

Gene: XIRP2 (xin actin binding repeat containing 2; plus strand). Cytogenetic location: 2q24.3.
Variant type: single nucleotide variant.
Coding change: c.2587C>T on transcript NM_152381.6 (MANE Select); coding-DNA position 2587, C replaced by T.
Protein change: p.Gln863Ter; replaces glutamine 863 with a stop codon.
Molecular consequence: nonsense. On other transcripts: intron variant (3).
Genome position (GRCh38, 1-based): chr2:167,243,979, C>T. VCF-style: chr2-167243979-C-T. GRCh37 (hg19) VCF-style: chr2-168100489-C-T.
Other names: c.1921C>T, p.Gln641Ter (NM_001199144.2); c.1275+2069C>T (NM_001199143.2); c.1176+2069C>T (NM_001079810.4); c.510+2069C>T (NM_001199145.2); c.2587C>T (NM_152381.5); short protein forms Q641*, Q863*.
Identifiers: ClinVar variation 731508 (VCV000731508.5), dbSNP rs202096194, ClinGen allele CA1946697.